The following is an entry in ClinVar:

ClinVar aggregate classification (germline): Likely benign. Review status: criteria provided, multiple submitters, no conflicts (2 of 4 stars). 2 submissions from 2 submitters: Likely benign (2). Last evaluated 2023-04-03.

Conditions:
Malignant hyperthermia, susceptibility to, 5 (MHS5). Also called: CACNA1S-Related Malignant Hyperthermia Susceptibility. Identifiers: Orphanet 423, MedGen C1866077, MONDO:0011163, OMIM 601887.
Hypokalemic periodic paralysis, type 1. Also called: Hypokalemic Periodic Paralysis Type 1 (AD); HypoPP. Identifiers: Orphanet 681, MedGen C3714580, MONDO:0042979, OMIM 170400.

Submissions (2):

All of Us Research Program, National Institutes of Health
Classification: Likely benign for Malignant hyperthermia, susceptibility to, 5. Last evaluated: 2023-04-03. Review status: criteria provided, single submitter. Criteria: ACMG Guidelines, 2015. Collection method: clinical testing. Allele origin: germline. Inheritance: Autosomal dominant inheritance. Observed: 1 variant allele, 1 heterozygote.
Comment: This study involves interpretation of variants in research participants for the purpose of population health screening. Participant phenotype was not available at the time of variant classification. Additional details can be found in publication PMID: 35346344, PMCID: PMC8962531

Labcorp Genetics (formerly Invitae), Labcorp
Classification: Likely benign for Hypokalemic periodic paralysis, type 1; Malignant hyperthermia, susceptibility to, 5. Last evaluated: 2021-08-23. Review status: criteria provided, single submitter. Criteria: Invitae Variant Classification Sherloc (09022015). Collection method: clinical testing. Allele origin: germline.

NM_000069.3(CACNA1S):c.2746-17_2746-14dup

Gene: CACNA1S (calcium voltage-gated channel subunit alpha1 S; minus strand). Cytogenetic location: 1q32.1.
Variant type: Duplication.
Coding change: c.2746-17_2746-14dup on transcript NM_000069.3 (MANE Select); 17 bases into the intron before coding-DNA position 2746 through 14 bases into the intron before coding-DNA position 2746, 4 bases duplicated (GGCC; older notation c.2746-17_2746-14dupGGCC).
Molecular consequence: intron variant.
Genome position (GRCh38, 1-based): chr1:201,065,959-201,065,962, GGCC duplicated on the plus strand (GGCC on the coding strand, the reverse complement: CACNA1S is on the minus strand). VCF-style (leftmost placement, unchanged base first): chr1-201065958-G-GGGCC. GRCh37 (hg19) VCF-style: chr1-201035086-G-GGGCC.
Identifiers: ClinVar variation 1657631 (VCV001657631.9), dbSNP rs2102582037, ClinGen allele CA2573131457.